The following is an entry in ClinVar:

NM_001563.4(IMPG1):c.915G>A (p.Thr305=)

Gene: IMPG1 (interphotoreceptor matrix proteoglycan 1; minus strand). Cytogenetic location: 6q14.1.
Variant type: single nucleotide variant.
Coding change: c.915G>A on transcript NM_001563.4 (MANE Select); coding-DNA position 915, G replaced by A.
Protein change: p.Thr305=; no amino-acid change (threonine 305 retained).
Molecular consequence: synonymous variant.
Genome position (GRCh38, 1-based): chr6:76,005,507, C>T on the plus strand (G>A on the coding strand, the complement: IMPG1 is on the minus strand). VCF-style: chr6-76005507-C-T. GRCh37 (hg19) VCF-style: chr6-76715224-C-T.
Other names: c.681G>A, p.Thr227= (NM_001282368.2); c.915G>A (NM_001563.3).
Identifiers: ClinVar variation 1107117 (VCV001107117.12), dbSNP rs144378004, ClinGen allele CA3898263.

ClinVar aggregate classification (germline): Likely benign. Review status: criteria provided, multiple submitters, no conflicts (2 of 4 stars). 3 submissions from 3 submitters: Likely benign (2). 1 of the submissions does not count toward it. Last evaluated 2025-12-20.

Conditions:
IMPG1-related disorder. Also called: IMPG1-related condition.

Allele frequency attached by ClinVar (database versions not stated): ExAC 0.00007; gnomAD exomes 0.00013; TOPMed 0.00015; gnomAD 0.00016; ESP Exome Variant Server 0.00031; 1000 Genomes Project 30x 0.00047; 1000 Genomes Project 0.00060.
gnomAD v4.1: 328 of 1,613,796 alleles (0.02%); highest among the groups gnomAD compares: Non-Finnish European, 0.025%; no homozygotes.

Submissions (3):

Labcorp Genetics (formerly Invitae), Labcorp
Classification: Likely benign. Last evaluated: 2025-12-20. Review status: criteria provided, single submitter. Criteria: Invitae Variant Classification Sherloc (09022015). Collection method: clinical testing. Allele origin: germline.

Blueprint Genetics
Classification: Likely benign. Last evaluated: 2024-02-22. Review status: criteria provided, single submitter. Criteria: ACMG Guidelines, 2015. Collection method: clinical testing. Allele origin: germline.

PreventionGenetics, part of Exact Sciences
Classification: Likely benign for IMPG1-related condition. Last evaluated: 2021-06-24. Review status: no assertion criteria provided. Collection method: clinical testing. Allele origin: germline. Not counted in ClinVar's aggregate classification.
Comment: This variant is classified as likely benign based on ACMG/AMP sequence variant interpretation guidelines (Richards et al. 2015 PMID: 25741868, with internal and published modifications).